The following is an entry in ClinVar:

ClinVar aggregate classification (germline): Uncertain significance (1 of 4 stars; one submission).

Conditions:
Gorlin syndrome. Also called: Nevoid Basal Cell Carcinoma Syndrome; Basal cell nevus syndrome. Identifiers: Orphanet 377, MedGen C0004779, MONDO:0007187.

gnomAD v4.1: 20 of 1,613,948 alleles (0.0012%); highest among the groups gnomAD compares: East Asian, 0.016%; no homozygotes.

Submission:

Labcorp Genetics (formerly Invitae), Labcorp
Classification: Uncertain significance for Gorlin syndrome. Last evaluated: 2020-10-15. Review status: criteria provided, single submitter. Criteria: Invitae Variant Classification Sherloc (09022015). Collection method: clinical testing. Allele origin: germline.
Comment: In summary, the available evidence is currently insufficient to determine the role of this variant in disease. Therefore, it has been classified as a Variant of Uncertain Significance. Algorithms developed to predict the effect of missense changes on protein structure and function output the following: SIFT: "Deleterious"; PolyPhen-2: "Benign"; Align-GVGD: "Class C0". The threonine amino acid residue is found in multiple mammalian species, suggesting that this missense change does not adversely affect protein function. These predictions have not been confirmed by published functional studies and their clinical significance is uncertain. This variant has not been reported in the literature in individuals with PTCH2-related conditions. This variant is present in population databases (rs765415578, ExAC 0.01%). This sequence change replaces alanine with threonine at codon 729 of the PTCH2 protein (p.Ala729Thr). The alanine residue is moderately conserved and there is a small physicochemical difference between alanine and threonine.

NM_003738.5(PTCH2):c.2185G>A (p.Ala729Thr)

Gene: PTCH2 (patched 2; minus strand). Cytogenetic location: 1p34.1.
Variant type: single nucleotide variant.
Coding change: c.2185G>A on transcript NM_003738.5 (MANE Select); coding-DNA position 2185, G replaced by A.
Protein change: p.Ala729Thr; replaces alanine 729 with threonine.
Molecular consequence: missense variant.
Genome position (GRCh38, 1-based): chr1:44,827,588, C>T on the plus strand (G>A on the coding strand, the complement: PTCH2 is on the minus strand). VCF-style: chr1-44827588-C-T. GRCh37 (hg19) VCF-style: chr1-45293260-C-T.
Other names: c.2185G>A, p.Ala729Thr (NM_001166292.2); short protein forms A729T.
Identifiers: ClinVar variation 1051138 (VCV001051138.9), dbSNP rs765415578, ClinGen allele CA823086.